The following is an entry in ClinVar:

NM_006796.3(AFG3L2):c.916A>G (p.Lys306Glu)

Gene: AFG3L2 (AFG3 like matrix AAA peptidase subunit 2; minus strand). Cytogenetic location: 18p11.21.
Variant type: single nucleotide variant.
Coding change: c.916A>G on transcript NM_006796.3 (MANE Select); coding-DNA position 916, A replaced by G.
Protein change: p.Lys306Glu; replaces lysine 306 with glutamic acid.
Molecular consequence: missense variant.
Genome position (GRCh38, 1-based): chr18:12,358,780, T>C on the plus strand (A>G on the coding strand, the complement: AFG3L2 is on the minus strand). VCF-style: chr18-12358780-T-C. GRCh37 (hg19) VCF-style: chr18-12358779-T-C.
Other names: short protein forms K306E.
Identifiers: ClinVar variation 973204 (VCV000973204.4), dbSNP rs1908569446, ClinGen allele CA401953620.

ClinVar aggregate classification (germline): Conflicting classifications of pathogenicity. Review status: criteria provided, conflicting classifications (1 of 4 stars). 3 submissions from 3 submitters: Likely pathogenic (1); Uncertain significance (1). 1 of the submissions does not count toward it. Last evaluated 2025-06-04.

Conditions:
Spastic ataxia 5. Also called: Spastic Ataxia Type 5 (SPAX5). Identifiers: Orphanet 313772, MedGen C3280977, MONDO:0013776, OMIM 614487.

Submissions (3):

First Genomix Gene Laboratory, Genetic Diagnostics Department
Classification: Likely pathogenic for Spastic ataxia 5. Last evaluated: 2025-06-04. Review status: criteria provided, single submitter. Criteria: ACMG Guidelines, 2015. Collection method: clinical testing. Allele origin: germline. Inheritance: Autosomal recessive inheritance. Affected: no.

Revvity Omics, Revvity
Classification: Uncertain significance. Last evaluated: 2024-07-17. Review status: criteria provided, single submitter. Criteria: ACMG Guidelines, 2015. Collection method: clinical testing. Allele origin: germline.

OMIM
Classification: Pathogenic for SPASTIC ATAXIA 5, AUTOSOMAL RECESSIVE. Last evaluated: 2020-08-13. Review status: no assertion criteria provided. Collection method: literature only. Allele origin: germline. Not counted in ClinVar's aggregate classification.

Literature cited by the submitters: PubMed 32219868 (cited by OMIM).